The following is an entry in ClinVar:

NM_006269.2(RP1):c.746G>C (p.Arg249Pro)

Gene: RP1 (RP1 axonemal microtubule associated; plus strand). Cytogenetic location: 8q12.1.
Variant type: single nucleotide variant.
Coding change: c.746G>C on transcript NM_006269.2 (MANE Select); coding-DNA position 746, G replaced by C.
Protein change: p.Arg249Pro; replaces arginine 249 with proline.
Molecular consequence: missense variant.
Genome position (GRCh38, 1-based): chr8:54,622,247, G>C. VCF-style: chr8-54622247-G-C. GRCh37 (hg19) VCF-style: chr8-55534807-G-C.
Other names: c.746G>C, p.Arg249Pro (NM_001375654.1); short protein forms R249P.
Identifiers: ClinVar variation 1002400 (VCV001002400.8), dbSNP rs373574136, ClinGen allele CA4751252.

ClinVar aggregate classification (germline): Uncertain significance (1 of 4 stars; one submission).

gnomAD v4.1: 4 of 1,614,084 alleles (0.00025%); highest among the groups gnomAD compares: Non-Finnish European, 0.00034%; no homozygotes.

Submission:

Labcorp Genetics (formerly Invitae), Labcorp
Classification: Uncertain significance. Last evaluated: 2024-10-07. Review status: criteria provided, single submitter. Criteria: Invitae Variant Classification Sherloc (09022015). Collection method: clinical testing. Allele origin: germline.
Comment: This sequence change replaces arginine, which is basic and polar, with proline, which is neutral and non-polar, at codon 249 of the RP1 protein (p.Arg249Pro). The frequency data for this variant in the population databases is considered unreliable, as metrics indicate poor data quality at this position in the gnomAD database. This variant has not been reported in the literature in individuals affected with RP1-related conditions. ClinVar contains an entry for this variant (Variation ID: 1002400). An algorithm developed to predict the effect of missense changes on protein structure and function outputs the following: PolyPhen-2: "Benign". The proline amino acid residue is found in multiple mammalian species, which suggests that this missense change does not adversely affect protein function. In summary, the available evidence is currently insufficient to determine the role of this variant in disease. Therefore, it has been classified as a Variant of Uncertain Significance.